The following is an entry in ClinVar:

ClinVar aggregate classification (germline): Benign/Likely benign. Review status: criteria provided, multiple submitters, no conflicts (2 of 4 stars). 4 submissions from 4 submitters: Benign (1); Likely benign (3). Last evaluated 2026-04-09.

Conditions:
MECOM-related disorder. Also called: MECOM-related condition.

Allele frequency attached by ClinVar (database versions not stated): gnomAD exomes 0.00008; ExAC 0.00029; 1000 Genomes Project 0.00080; 1000 Genomes Project 30x 0.00109; TOPMed 0.00110; gnomAD 0.00113; ESP Exome Variant Server 0.00154.
gnomAD v4.1: 299 of 1,613,614 alleles (0.019%); highest among the groups gnomAD compares: African/African-American, 0.37%; 1 homozygote.

Submissions (4):

PreventionGenetics, part of Exact Sciences
Classification: Likely benign for MECOM-related condition. Last evaluated: 2026-04-09. Review status: criteria provided, single submitter. Criteria: ACMG Guidelines, 2015. Collection method: clinical testing. Allele origin: germline.
Comment: This variant is classified as likely benign based on ACMG/AMP sequence variant interpretation guidelines (Richards et al. 2015 PMID: 25741868, with internal and published modifications).

Labcorp Genetics (formerly Invitae), Labcorp
Classification: Benign. Last evaluated: 2025-12-29. Review status: criteria provided, single submitter. Criteria: Invitae Variant Classification Sherloc (09022015). Collection method: clinical testing. Allele origin: germline.

Mayo Clinic Laboratories, Mayo Clinic
Classification: Likely benign. Last evaluated: 2024-12-06. Review status: criteria provided, single submitter. Criteria: ACMG Guidelines, 2015. Collection method: clinical testing. Allele origin: germline. Observed: 1 variant allele.
Comment: BS1, PM1_supporting

Blueprint Genetics
Classification: Likely benign. Last evaluated: 2024-07-15. Review status: criteria provided, single submitter. Criteria: ACMG Guidelines, 2015. Collection method: clinical testing. Allele origin: germline.

NM_004991.4(MECOM):c.2941C>T (p.His981Tyr)

Gene: MECOM (MDS1 and EVI1 complex locus; minus strand). Cytogenetic location: 3q26.2.
Variant type: single nucleotide variant.
Coding change: c.2941C>T on transcript NM_004991.4 (MANE Select); coding-DNA position 2941, C replaced by T.
Protein change: p.His981Tyr; replaces histidine 981 with tyrosine.
Molecular consequence: missense variant.
Genome position (GRCh38, 1-based): chr3:169,095,154, G>A on the plus strand (C>T on the coding strand, the complement: MECOM is on the minus strand). VCF-style: chr3-169095154-G-A. GRCh37 (hg19) VCF-style: chr3-168812942-G-A.
Other names: p.His981Tyr; c.2941C>T (NM_004991.3); c.2572C>T, p.His858Tyr (NM_001105077.4); c.2377C>T, p.His793Tyr (NM_001105078.4, NM_001205194.2, NM_001366469.2 and 1 more transcripts); c.2353C>T, p.His785Tyr (NM_001163999.2, NM_001366470.2); c.2350C>T, p.His784Tyr (NM_001164000.2, NM_001366471.2, NM_001366472.2); c.2914C>T, p.His972Tyr (NM_001366466.2); c.2380C>T, p.His794Tyr (NM_001366467.2, NM_001366468.2); and 2 more; short protein forms H793Y, H858Y, H648Y, H784Y, H785Y, H972Y, H460Y, H794Y.
Identifiers: ClinVar variation 2069471 (VCV002069471.7), dbSNP rs34224062, ClinGen allele CA2696021.